The following is an entry in ClinVar:

NM_000439.5(PCSK1):c.1549C>T (p.Arg517Ter)

Genes: PCSK1 (proprotein convertase subtilisin/kexin type 1; minus strand), CAST (calpastatin; plus strand), LOC101929710 (uncharacterized LOC101929710; plus strand). Cytogenetic location: 5q15.
Variant type: single nucleotide variant.
Coding change: c.1549C>T on transcript NM_000439.5 (MANE Select); coding-DNA position 1549, C replaced by T.
Protein change: p.Arg517Ter; replaces arginine 517 with a stop codon.
Molecular consequence: nonsense.
Genome position (GRCh38, 1-based): chr5:96,398,918, G>A on the plus strand (C>T on the coding strand, the complement: PCSK1 is on the minus strand). VCF-style: chr5-96398918-G-A. GRCh37 (hg19) VCF-style: chr5-95734622-G-A.
Other names: c.1408C>T, p.Arg470Ter (NM_001177875.2); short protein forms R470*, R517*.
Identifiers: ClinVar variation 1333251 (VCV001333251.1), dbSNP rs1168396288, ClinGen allele CA360478923.
Genomic context (GRCh38, chr5:96,398,918, plus strand): 5'-CTTAGAACTTTTTTAATTTACCAGCAGCAGAAGTAAGTGTGACATGAAGGTCTCCTCTTC[G>A]GGAATATTCAATTGTTGCTTCAAATTGTACATGCTCCAGGGACTTGATAGCATTTTCTTG-3'

ClinVar aggregate classification (germline): Likely pathogenic (1 of 4 stars; one submission).

Conditions:
Obesity due to prohormone convertase I deficiency. Also called: OBESITY AND ENDOCRINOPATHY DUE TO IMPAIRED PROCESSING OF PROHORMONES. Identifiers: Orphanet 71528, MedGen C1833053, MONDO:0010961, OMIM 600955.

Allele frequency attached by ClinVar (database versions not stated): gnomAD exomes 0.00001.
gnomAD v4.1: 9 of 1,613,326 alleles (0.00056%); highest among the groups gnomAD compares: East Asian, 0.0022%; no homozygotes.

Submission:

3billion
Classification: Likely pathogenic for Obesity due to prohormone convertase I deficiency. Last evaluated: 2022-01-03. Review status: criteria provided, single submitter. Criteria: ACMG Guidelines, 2015. Collection method: clinical testing. Allele origin: germline. Affected: yes. Observed: 1 heterozygote.
Comment: Stop-gained (nonsense): predicted to result in a loss or disruption of normal protein function through nonsense-mediated decay (NMD) or protein truncation. Multiple pathogenic variants are reported downstream of the variant (PVS1_VS).It is observed at an extremely low frequency in the gnomAD v2.1.1 dataset (total allele frequency: 0.000012, PM2_M). Therefore, this variant is classified as likely pathogenic according to the recommendation of ACMG/AMP guideline.